The following is an entry in ClinVar:

ClinVar aggregate classification (germline): Pathogenic (1 of 4 stars; one submission).

Conditions:
Ataxia-telangiectasia syndrome (AT). Also called: ATAXIA-TELANGIECTASIA, COMPLEMENTATION GROUP A; ATAXIA-TELANGIECTASIA, FRESNO VARIANT; Ataxia-telangiectasia; Ataxia-telangiectasia, complementation group D; AT, COMPLEMENTATION GROUP C; Ataxia-telangiectasia, complementation group E. Identifiers: Orphanet 100, MedGen C0004135, MONDO:0008840, OMIM 208900.

Submission:

Labcorp Genetics (formerly Invitae), Labcorp
Classification: Pathogenic for Ataxia-telangiectasia syndrome. Last evaluated: 2018-01-04. Review status: criteria provided, single submitter. Criteria: Invitae Variant Classification Sherloc (09022015). Collection method: clinical testing. Allele origin: germline.
Comment: A gross deletion of the genomic region encompassing the full coding sequence of the ATM gene has been identified. The boundaries of this event are unknown as the deletion extends beyond the assayed region for this gene and therefore may encompass additional genes. This deletion has not been reported in the literature in individuals with ATM-related disease. Loss-of-function variants in ATM are known to be pathogenic (PMID: 23807571, 25614872). For these reasons, this variant has been classified as Pathogenic.

NC_000011.10:g.(?_108227619)_(108227894_?)del

Gene: ATM (ATM serine/threonine kinase; plus strand). Cytogenetic location: 11q22.3.
Variant type: Deletion.
Identifiers: ClinVar variation 524488 (VCV000524488.1).